The following is an entry in ClinVar:

NM_021728.4(OTX2):c.94C>A (p.Pro32Thr)

Gene: OTX2 (orthodenticle homeobox 2; minus strand). Cytogenetic location: 14q22.3.
Variant type: single nucleotide variant.
Coding change: c.94C>A on transcript NM_021728.4 (MANE Select); coding-DNA position 94, C replaced by A.
Protein change: p.Pro32Thr; replaces proline 32 with threonine.
Molecular consequence: missense variant. On other transcripts: non-coding transcript variant (2).
Genome position (GRCh38, 1-based): chr14:56,805,363, G>T on the plus strand (C>A on the coding strand, the complement: OTX2 is on the minus strand). VCF-style: chr14-56805363-G-T. GRCh37 (hg19) VCF-style: chr14-57272081-G-T.
Other names: c.94C>A, p.Pro32Thr (NM_001270523.2, NM_001270524.2, NM_001270525.2 and 1 more transcripts); short protein forms P32T.
Identifiers: ClinVar variation 2575820 (VCV002575820.6), dbSNP rs2139537137, ClinGen allele CA390052634.

ClinVar aggregate classification (germline): Uncertain significance. Review status: criteria provided, multiple submitters, no conflicts (2 of 4 stars). 2 submissions from 2 submitters: Uncertain significance (2). Last evaluated 2026-01-23.

Conditions:
Anophthalmia-microphthalmia syndrome. Also called: Anophthalmia - microphthalmia; Anophthalmia/Microphthalmia. Identifiers: Orphanet 98555, MedGen C5680330, MONDO:0020147.

Submissions (2):

GeneDx
Classification: Uncertain significance. Last evaluated: 2026-01-23. Review status: criteria provided, single submitter. Criteria: GeneDx Variant Classification Process June 2021. Collection method: clinical testing. Allele origin: germline. Affected: yes.
Comment: Not observed at significant frequency in large population cohorts (gnomAD); In silico analysis supports that this missense variant has a deleterious effect on protein structure/function; Has not been previously published as pathogenic or benign to our knowledge

Labcorp Genetics (formerly Invitae), Labcorp
Classification: Uncertain significance for Anophthalmia-microphthalmia syndrome. Last evaluated: 2023-12-19. Review status: criteria provided, single submitter. Criteria: Invitae Variant Classification Sherloc (09022015). Collection method: clinical testing. Allele origin: germline.
Comment: This sequence change replaces proline, which is neutral and non-polar, with threonine, which is neutral and polar, at codon 32 of the OTX2 protein (p.Pro32Thr). This variant is not present in population databases (gnomAD no frequency). This variant has not been reported in the literature in individuals affected with OTX2-related conditions. ClinVar contains an entry for this variant (Variation ID: 2575820). An algorithm developed to predict the effect of missense changes on protein structure and function (PolyPhen-2) suggests that this variant is likely to be tolerated. In summary, the available evidence is currently insufficient to determine the role of this variant in disease. Therefore, it has been classified as a Variant of Uncertain Significance.